The following is an entry in ClinVar:

ClinVar aggregate classification (germline): Conflicting classifications of pathogenicity. Review status: criteria provided, conflicting classifications (1 of 4 stars). 3 submissions from 3 submitters: Uncertain significance (2); Likely benign (1). Last evaluated 2025-06-03.

Conditions:
Hereditary cancer-predisposing syndrome. Also called: Hereditary neoplastic syndrome; Tumor predisposition; Hereditary Cancer Syndrome; Neoplastic Syndromes, Hereditary. Identifiers: Orphanet 140162, MedGen C0027672, MeSH D009386, MONDO:0015356.
POLD1-related polyposis and colorectal cancer syndrome (CRCS10). Also called: Colorectal cancer, susceptibility to, 10; Colorectal cancer 10; COLORECTAL CANCER, SUSCEPTIBILITY TO, ON CHROMOSOME 19q. Identifiers: Orphanet 220460, MedGen C2675481, MONDO:0012953, OMIM 612591.

Allele frequency attached by ClinVar (database versions not stated): ExAC 0.00001; gnomAD exomes 0.00001; TOPMed 0.00002.
gnomAD v4.1: 10 of 1,608,736 alleles (0.00062%); highest among the groups gnomAD compares: South Asian, 0.0022%; no homozygotes.

Submissions (3):

Labcorp Genetics (formerly Invitae), Labcorp
Classification: Uncertain significance for POLD1-related polyposis and colorectal cancer syndrome. Last evaluated: 2025-06-03. Review status: criteria provided, single submitter. Criteria: Invitae Variant Classification Sherloc (09022015). Collection method: clinical testing. Allele origin: germline.
Comment: This sequence change replaces arginine, which is basic and polar, with histidine, which is basic and polar, at codon 823 of the POLD1 protein (p.Arg823His). The frequency data for this variant in the population databases is considered unreliable, as metrics indicate poor data quality at this position in the gnomAD database. This missense change has been observed in individual(s) with POLD1-related conditions (PMID: 37990341). ClinVar contains an entry for this variant (Variation ID: 660883). Invitae Evidence Modeling of protein sequence and biophysical properties (such as structural, functional, and spatial information, amino acid conservation, physicochemical variation, residue mobility, and thermodynamic stability) indicates that this missense variant is not expected to disrupt POLD1 protein function with a negative predictive value of 80%. In summary, the available evidence is currently insufficient to determine the role of this variant in disease. Therefore, it has been classified as a Variant of Uncertain Significance.

Ambry Genetics
Classification: Likely benign for Hereditary cancer-predisposing syndrome. Last evaluated: 2025-03-27. Review status: criteria provided, single submitter. Criteria: Ambry Variant Classification Scheme 2023. Collection method: clinical testing. Allele origin: germline.

GeneDx
Classification: Uncertain significance. Last evaluated: 2023-02-21. Review status: criteria provided, single submitter. Criteria: GeneDx Variant Classification Process June 2021. Collection method: clinical testing. Allele origin: germline. Affected: yes.
Comment: Not observed at significant frequency in large population cohorts (gnomAD); In silico analysis supports that this missense variant has a deleterious effect on protein structure/function; Has not been previously published as pathogenic or benign to our knowledge

Literature cited by the submitters: PubMed 37990341 (cited by Labcorp Genetics (formerly Invitae), Labcorp).

NM_002691.4(POLD1):c.2468G>A (p.Arg823His)

Gene: POLD1 (DNA polymerase delta 1, catalytic subunit; plus strand). Cytogenetic location: 19q13.33.
Variant type: single nucleotide variant.
Coding change: c.2468G>A on transcript NM_002691.4 (MANE Select); coding-DNA position 2468, G replaced by A.
Protein change: p.Arg823His; replaces arginine 823 with histidine.
Molecular consequence: missense variant. On other transcripts: non-coding transcript variant (1).
Genome position (GRCh38, 1-based): chr19:50,414,894, G>A. VCF-style: chr19-50414894-G-A. GRCh37 (hg19) VCF-style: chr19-50918151-G-A.
Other names: c.2468G>A, p.Arg823His (NM_001256849.1); c.2546G>A, p.Arg849His (NM_001308632.1); c.2468G>A (NM_002691.2); short protein forms R823H, R849H.
Identifiers: ClinVar variation 660883 (VCV000660883.13), dbSNP rs771734704, ClinGen allele CA9596538.